The following is an entry in ClinVar:

ClinVar aggregate classification (germline): Uncertain significance (1 of 4 stars; one submission).

Submission:

CeGaT Center for Human Genetics Tuebingen
Classification: Uncertain significance. Last evaluated: 2026-08-01. Review status: criteria provided, single submitter. Criteria: CeGaT Center For Human Genetics Tuebingen Variant Classification Criteria Version 2. Collection method: clinical testing. Allele origin: germline. Affected: yes. Observed: 2 variant alleles.
Comment: ASH1L: PM2, PP3

NM_018489.3(ASH1L):c.8398T>C (p.Cys2800Arg)

Gene: ASH1L (ASH1 like histone lysine methyltransferase; minus strand). Cytogenetic location: 1q22.
Variant type: single nucleotide variant.
Coding change: c.8398T>C on transcript NM_018489.3 (MANE Select); coding-DNA position 8398, T replaced by C.
Protein change: p.Cys2800Arg; replaces cysteine 2800 with arginine.
Molecular consequence: missense variant.
Genome position (GRCh38, 1-based): chr1:155,341,998, A>G on the plus strand (T>C on the coding strand, the complement: ASH1L is on the minus strand). VCF-style: chr1-155341998-A-G. GRCh37 (hg19) VCF-style: chr1-155311789-A-G.
Other names: c.8413T>C, p.Cys2805Arg (NM_001366177.2); short protein forms C2800R, C2805R.
Identifiers: ClinVar variation 5040335 (VCV005040335.1).